The following is an entry in ClinVar:

NM_001303256.3(MORC2):c.1244_1247dup (p.Pro417fs)

Gene: MORC2 (MORC family CW-type zinc finger 2; minus strand). Cytogenetic location: 22q12.2.
Variant type: Duplication.
Coding change: c.1244_1247dup on transcript NM_001303256.3 (MANE Select); coding-DNA positions 1244 to 1247, 4 bases duplicated (ATGT; older notation c.1244_1247dupATGT).
Protein change: p.Pro417fs; shifts the reading frame from proline 417.
Molecular consequence: frameshift variant.
Genome position (GRCh38, 1-based): chr22:30,937,937-30,937,940, ACAT duplicated on the plus strand (ATGT on the coding strand, the reverse complement: MORC2 is on the minus strand). VCF-style (leftmost placement, unchanged base first): chr22-30937936-C-CACAT. GRCh37 (hg19) VCF-style: chr22-31333923-C-CACAT.
Other names: c.1244_1247dup, p.Pro417fs (NM_001303257.2); c.1058_1061dup, p.Pro355fs (NM_014941.3); short protein forms P355fs, P417fs.
Identifiers: ClinVar variation 1320711 (VCV001320711.2), dbSNP rs2147256653, ClinGen allele CA2573054993.

ClinVar aggregate classification (germline): Uncertain significance (1 of 4 stars; one submission).

Submission:

GeneDx
Classification: Uncertain significance. Last evaluated: 2019-05-22. Review status: criteria provided, single submitter. Criteria: GeneDx Variant Classification Process June 2021. Collection method: clinical testing. Allele origin: germline. Affected: yes.
Comment: Frameshift variant predicted to result in protein truncation or nonsense mediated decay in a gene for which loss-of-function is not a known mechanism of disease; Not observed in large population cohorts (Lek et al., 2016); Has not been previously published as pathogenic or benign to our knowledge